The following is an entry in ClinVar:

ClinVar aggregate classification (germline): Uncertain significance. Review status: criteria provided, multiple submitters, no conflicts (2 of 4 stars). 3 submissions from 3 submitters: Uncertain significance (3). Last evaluated 2025-02-11.

Conditions:
MYH7B-related disorder. Also called: MYH7B-related condition.

Allele frequency attached by ClinVar (database versions not stated): 1000 Genomes Project 30x 0.00016.
gnomAD v4.1: 8 of 1,613,658 alleles (0.0005%); highest among the groups gnomAD compares: East Asian, 0.0022%; no homozygotes.

Submissions (3):

Labcorp Genetics (formerly Invitae), Labcorp
Classification: Uncertain significance. Last evaluated: 2025-02-11. Review status: criteria provided, single submitter. Criteria: Invitae Variant Classification Sherloc (09022015). Collection method: clinical testing. Allele origin: germline.
Comment: This sequence change replaces alanine, which is neutral and non-polar, with glutamic acid, which is acidic and polar, at codon 1811 of the MYH7B protein (p.Ala1811Glu). This variant is present in population databases (rs147239130, gnomAD 0.006%). This variant has not been reported in the literature in individuals affected with MYH7B-related conditions. ClinVar contains an entry for this variant (Variation ID: 2965664). An algorithm developed to predict the effect of missense changes on protein structure and function (PolyPhen-2) suggests that this variant is likely to be disruptive. In summary, the available evidence is currently insufficient to determine the role of this variant in disease. Therefore, it has been classified as a Variant of Uncertain Significance.

PreventionGenetics, part of Exact Sciences
Classification: Uncertain significance for MYH7B-related condition. Last evaluated: 2025-01-31. Review status: criteria provided, single submitter. Criteria: ACMG Guidelines, 2015. Collection method: clinical testing. Allele origin: germline.
Comment: The MYH7B c.5432C>A variant is predicted to result in the amino acid substitution p.Ala1811Glu. To our knowledge, this variant has not been reported in the literature. This variant is reported in 0.0055% of alleles in individuals of East Asian descent in gnomAD. At this time, the clinical significance of this variant is uncertain due to the absence of conclusive functional and genetic evidence.

Breakthrough Genomics
Classification: Uncertain significance. Review status: criteria provided, single submitter. Criteria: ACMG Guidelines, 2015. Collection method: not provided. Allele origin: germline. Inheritance: Autosomal dominant inheritance. Affected: yes.

NM_020884.7(MYH7B):c.5306C>A (p.Ala1769Glu)

Gene: MYH7B (myosin heavy chain 7B; plus strand). Cytogenetic location: 20q11.22.
Variant type: single nucleotide variant.
Coding change: c.5306C>A on transcript NM_020884.7 (MANE Select); coding-DNA position 5306, C replaced by A.
Protein change: p.Ala1769Glu; replaces alanine 1769 with glutamic acid.
Molecular consequence: missense variant.
Genome position (GRCh38, 1-based): chr20:35,000,989, C>A. VCF-style: chr20-35000989-C-A. GRCh37 (hg19) VCF-style: chr20-33588792-C-A.
Other names: c.5432C>A (NM_020884.4); short protein forms A1769E.
Identifiers: ClinVar variation 2965664 (VCV002965664.5), dbSNP rs147239130, ClinGen allele CA9828511.
Genomic context (GRCh38, chr20:35,000,989, plus strand): 5'-AGAATTGCAGAGGGACTTCCCTGAGGCTGGGCACCTGACCAGCTCCTCCTCCCCAACAGG[C>A]GGCCATGATGGCCGAGGAGCTGAAGAAGGAGCAGGACACAAGTGCACACCTGGAACGGAT-3'
Protein context (NP_065935.4, residues 1759-1779): EEKAKKAITD[Ala1769Glu]AMMAEELKKE